The following is an entry in ClinVar:

NM_004727.3(SLC24A1):c.3176T>C (p.Ile1059Thr)

Gene: SLC24A1 (solute carrier family 24 member 1; plus strand). Cytogenetic location: 15q22.31.
Variant type: single nucleotide variant.
Coding change: c.3176T>C on transcript NM_004727.3 (MANE Select); coding-DNA position 3176, T replaced by C.
Protein change: p.Ile1059Thr; replaces isoleucine 1059 with threonine.
Molecular consequence: missense variant. On other transcripts: intron variant (1).
Genome position (GRCh38, 1-based): chr15:65,653,955, T>C. VCF-style: chr15-65653955-T-C. GRCh37 (hg19) VCF-style: chr15-65946293-T-C.
Other names: c.3176T>C (NM_004727.2); c.1157T>C, p.Ile386Thr (NM_001254740.2); c.3086T>C, p.Ile1029Thr (NM_001301031.1); c.3122T>C, p.Ile1041Thr (NM_001301032.1); c.2996+1147T>C (NM_001301033.2); short protein forms I1059T, I1041T, I386T, I1029T.
Identifiers: ClinVar variation 1492856 (VCV001492856.9), dbSNP rs775295158, ClinGen allele CA7620331.

ClinVar aggregate classification (germline): Uncertain significance. Review status: criteria provided, multiple submitters, no conflicts (2 of 4 stars). 2 submissions from 2 submitters: Uncertain significance (2). Last evaluated 2023-09-23.

Conditions:
Inborn genetic diseases. Identifiers: MedGen C0950123, MeSH D030342.

Allele frequency attached by ClinVar (database versions not stated): gnomAD 0.00001; gnomAD exomes 0.00001 and 0.00002; ExAC 0.00002; TOPMed 0.00003.
gnomAD v4.1: 15 of 1,613,932 alleles (0.00093%); highest among the groups gnomAD compares: South Asian, 0.0022%; no homozygotes.

Submissions (2):

Ambry Genetics
Classification: Uncertain significance for Inborn genetic diseases. Last evaluated: 2023-09-23. Review status: criteria provided, single submitter. Criteria: Ambry Variant Classification Scheme 2023. Collection method: clinical testing. Allele origin: germline.

Labcorp Genetics (formerly Invitae), Labcorp
Classification: Uncertain significance. Last evaluated: 2023-07-07. Review status: criteria provided, single submitter. Criteria: Invitae Variant Classification Sherloc (09022015). Collection method: clinical testing. Allele origin: germline.
Comment: This sequence change replaces isoleucine, which is neutral and non-polar, with threonine, which is neutral and polar, at codon 1059 of the SLC24A1 protein (p.Ile1059Thr). This variant is present in population databases (rs775295158, gnomAD 0.006%). This variant has not been reported in the literature in individuals affected with SLC24A1-related conditions. ClinVar contains an entry for this variant (Variation ID: 1492856). An algorithm developed to predict the effect of missense changes on protein structure and function (PolyPhen-2) suggests that this variant is likely to be disruptive. In summary, the available evidence is currently insufficient to determine the role of this variant in disease. Therefore, it has been classified as a Variant of Uncertain Significance.